The following is an entry in ClinVar:

NM_000465.4(BARD1):c.1203T>C (p.Ser401=)

Gene: BARD1 (BRCA1 associated RING domain 1; minus strand). Cytogenetic location: 2q35.
Variant type: single nucleotide variant.
Coding change: c.1203T>C on transcript NM_000465.4 (MANE Select); coding-DNA position 1203, T replaced by C.
Protein change: p.Ser401=; no amino-acid change (serine 401 retained).
Molecular consequence: synonymous variant. On other transcripts: non-coding transcript variant (2), intron variant (3).
Genome position (GRCh38, 1-based): chr2:214,780,671, A>G on the plus strand (T>C on the coding strand, the complement: BARD1 is on the minus strand). VCF-style: chr2-214780671-A-G. GRCh37 (hg19) VCF-style: chr2-215645395-A-G.
Other names: c.1146T>C, p.Ser382= (NM_001282543.2); c.159-28116T>C (NM_001282548.2); c.215+16390T>C (NM_001282545.2); c.364+11626T>C (NM_001282549.2).
Identifiers: ClinVar variation 184869 (VCV000184869.30), dbSNP rs370553043, ClinGen allele CA190312.

ClinVar aggregate classification (germline): Benign/Likely benign. Review status: criteria provided, multiple submitters, no conflicts (2 of 4 stars). 14 submissions from 12 submitters: Benign (3); Likely benign (8). 3 of the submissions do not count toward it. Last evaluated 2026-01-19.

Conditions:
Lung cancer. Also called: Lung cancer, somatic; Malignant tumor of lung. Identifiers: MedGen C0242379, MONDO:0008903, OMIM 211980.
Hereditary cancer-predisposing syndrome. Also called: Tumor predisposition; Neoplastic Syndromes, Hereditary; Hereditary neoplastic syndrome; Hereditary Cancer Syndrome. Identifiers: Orphanet 140162, MedGen C0027672, MeSH D009386, MONDO:0015356.
Carcinoma of colon (CRC). Also called: Colonic carcinoma; Colon carcinoma. Identifiers: MedGen C0699790, MONDO:0002032.
Familial cancer of breast. Also called: BREAST CANCER, FAMILIAL; hereditary breast carcinoma; Hereditary breast cancer. Identifiers: Orphanet 227535, MedGen C0346153, MONDO:0016419, OMIM 114480. Disease mechanism: loss of function.
Malignant tumor of breast. Also called: Malignant breast neoplasm; Cancer breast. Identifiers: MedGen C0006142, MONDO:0007254. Disease mechanism: loss of function.

Allele frequency attached by ClinVar (database versions not stated): ESP Exome Variant Server 0.00008; TOPMed 0.00012; gnomAD 0.00013 and 0.00014; ExAC 0.00005; gnomAD exomes 0.00006 and 0.00007.
gnomAD v4.1: 108 of 1,613,960 alleles (0.0067%); highest among the groups gnomAD compares: African/African-American, 0.037%; no homozygotes.

Submissions (14):

Labcorp Genetics (formerly Invitae), Labcorp
Classification: Likely benign for Familial cancer of breast. Last evaluated: 2026-01-19. Review status: criteria provided, single submitter. Criteria: Invitae Variant Classification Sherloc (09022015). Collection method: clinical testing. Allele origin: germline.

Blueprint Genetics
Classification: Likely benign. Last evaluated: 2024-11-26. Review status: criteria provided, single submitter. Criteria: ACMG Guidelines, 2015. Collection method: clinical testing. Allele origin: germline.

Myriad Genetics, Inc.
Classification: Benign for Familial cancer of breast. Last evaluated: 2024-07-24. Review status: criteria provided, single submitter. Criteria: Myriad Autosomal Dominant, Autosomal Recessive and X-Linked Classification Criteria (2023). Collection method: clinical testing. Allele origin: unknown.
Comment: This variant is considered benign. This variant is a silent/synonymous amino acid change and it is not expected to impact splicing.

Quest Diagnostics Nichols Institute San Juan Capistrano
Classification: Benign. Last evaluated: 2022-10-03. Review status: criteria provided, single submitter. Criteria: Quest Diagnostics criteria. Collection method: clinical testing. Allele origin: unknown.

GeneDx
Classification: Likely benign. Last evaluated: 2021-10-18. Review status: criteria provided, single submitter. Criteria: GeneDx Variant Classification Process June 2021. Collection method: clinical testing. Allele origin: germline. Affected: yes.
Comment: This variant is associated with the following publications: (PMID: 19197335, 20077502, 26738429)

Women's Health and Genetics/Laboratory Corporation of America, LabCorp
Classification: Likely benign. Last evaluated: 2021-07-19. Review status: criteria provided, single submitter. Criteria: LabCorp Variant Classification Summary - May 2015. Collection method: clinical testing. Allele origin: germline.

Sema4
Classification: Likely benign for Hereditary cancer-predisposing syndrome. Last evaluated: 2021-03-21. Review status: criteria provided, single submitter. Criteria: Sema4 Curation Guidelines. Collection method: curation. Allele origin: germline.

Mendelics
Classification: Benign for Familial cancer of breast. Last evaluated: 2019-05-28. Review status: criteria provided, single submitter. Criteria: Mendelics Assertion Criteria 2017. Collection method: clinical testing. Allele origin: unknown.

PreventionGenetics, part of Exact Sciences
Classification: Likely benign. Last evaluated: 2017-07-27. Review status: criteria provided, single submitter. Criteria: ACMG Guidelines, 2015. Collection method: clinical testing. Allele origin: germline.

Color Diagnostics, LLC DBA Color Health
Classification: Likely benign for Hereditary cancer-predisposing syndrome. Last evaluated: 2015-07-15. Review status: criteria provided, single submitter. Criteria: ACMG Guidelines, 2015. Collection method: clinical testing. Allele origin: germline.

Ambry Genetics
Classification: Likely benign for Hereditary cancer-predisposing syndrome. Last evaluated: 2015-06-10. Review status: criteria provided, single submitter. Criteria: Ambry Variant Classification Scheme 2023. Collection method: clinical testing. Allele origin: germline.

Department of Pathology and Laboratory Medicine, Sinai Health System
Classification: Likely benign for Lung cancer. Review status: no assertion criteria provided. Collection method: clinical testing. Allele origin: unknown. Affected: yes. Study: The Canadian Open Genetics Repository (COGR). Not counted in ClinVar's aggregate classification.
Comment: The BARD1 c.1203T>C variant was identified in 2 of 584 proband chromosomes (frequency: 0.003) from individuals or families with breast and ovarian cancer and was not identified in 490 control chromosomes from healthy individuals (De Brakeleer 2010, Guenard 2009). The variant was also identified in the following databases: dbSNP (ID: rs370553043) as â€šÃ„ÃºWith Likely benign alleleâ€šÃ„Ã¹, ClinVar (5x, as likely benign, by Ambry genetics, Invitae, GeneDx, Color Genomics, Quest Diagnostics), Clinvitae (3x, as likely benign, by ClinVar and Invitae) and Zhejiang Colon Cancer Database (3x). The variant was not identified in Cosmic and MutDB databases. The variant was identified in control databases in 19 of 276710 chromosomes at a frequency of 0.00007 (Genome Aggregation Database Feb 27, 2017). Breakdown of the observations by population include African in 5 of 24030 chromosomes (freq: 0.0002), Latino in 1 of 34380 chromosomes (freq: 0.00003), European Non-Finnish in 12 of 126298 chromosomes (freq: 0.000095), and South Asian in 1 of 30778 chromosomes (freq: 0.000032); While the variant was not observed in the Other, Ashkenazi Jewish, East Asian and Finnish populations. The c.1203T>C variant is not expected to have clinical significance because it does not result in a change of amino acid and is not located in a known consensus splice site. In addition, in silico or computational prediction software programs (SpliceSiteFinder, MaxEntScan, NNSPLICE, GeneSplicer, HumanSpliceFinder) do not predict a difference in splicing. In summary, based on the above information the clinical significance of this variant cannot be determined with certainty at this time although we would lean towards a more benign role for this variant. This variant is classified as likely benign.

Department of Pathology and Laboratory Medicine, Sinai Health System
Classification: Likely benign for Malignant tumor of breast. Review status: no assertion criteria provided. Collection method: clinical testing. Allele origin: unknown. Affected: yes. Study: The Canadian Open Genetics Repository (COGR). Not counted in ClinVar's aggregate classification.
Comment: the same text as in the submission from Department of Pathology and Laboratory Medicine, Sinai Health System above.

Department of Pathology and Laboratory Medicine, Sinai Health System
Classification: Likely benign for Carcinoma of colon. Review status: no assertion criteria provided. Collection method: clinical testing. Allele origin: unknown. Affected: yes. Study: The Canadian Open Genetics Repository (COGR). Not counted in ClinVar's aggregate classification.
Comment: the same text as in the submission from Department of Pathology and Laboratory Medicine, Sinai Health System above.

Literature cited by the submitters: PubMed 20077502 (cited by Quest Diagnostics Nichols Institute San Juan Capistrano and Sema4); PubMed 19197335 (cited by Quest Diagnostics Nichols Institute San Juan Capistrano); PubMed 26738429 (cited by Sema4).